The following is an entry in ClinVar:

NM_000038.6(APC):c.789_794del (p.Gln264_Gly265del)

Gene: APC (APC regulator of Wnt signaling pathway; plus strand). Cytogenetic location: 5q22.2.
Variant type: Deletion.
Coding change: c.789_794del on transcript NM_000038.6 (MANE Select); coding-DNA positions 789 to 794, 6 bases deleted (TCAAGG; older notation c.789_794delTCAAGG).
Protein change: p.Gln264_Gly265del.
Molecular consequence: inframe deletion. On other transcripts: 5 prime UTR variant (4), non-coding transcript variant (2).
Genome position (GRCh38, 1-based): chr5:112,801,338-112,801,343, TCAAGG deleted; deleting any 6 consecutive bases within chr5:112,801,334-112,801,343 gives the same sequence; the c. name uses the placement nearest the transcript's 3' end. VCF-style (leftmost placement, unchanged base first): chr5-112801333-GAAGGTC-G. GRCh37 (hg19) VCF-style: chr5-112137030-GAAGGTC-G.
Other names: c.789_794del, p.Gln264_Gly265del (NM_001127510.3, NM_001354895.2, NM_001354896.2 and 12 more transcripts); c.735_740del, p.Gln246_Gly247del (NM_001127511.3); c.819_824del, p.Gln274_Gly275del (NM_001354897.2, NM_001354902.2, NM_001407446.1); c.714_719del, p.Gln239_Gly240del (NM_001354898.2, NM_001354904.2, NM_001407451.1); c.705_710del, p.Gln236_Gly237del (NM_001354899.2, NM_001407452.1, NM_001407467.1 and 1 more transcripts); c.612_617del, p.Gln205_Gly206del (NM_001354900.2, NM_001354901.2, NM_001354905.2 and 1 more transcripts); c.-247_-242del (NM_001354906.2, NM_001407470.1, NM_001407471.1 and 1 more transcripts).
Identifiers: ClinVar variation 2587001 (VCV002587001.2), dbSNP rs2532753886, ClinGen allele CA2582341405.

ClinVar aggregate classification (germline): Uncertain significance (1 of 4 stars; one submission).

Conditions:
Hereditary cancer-predisposing syndrome. Also called: Hereditary neoplastic syndrome; Tumor predisposition; Hereditary Cancer Syndrome; Neoplastic Syndromes, Hereditary. Identifiers: Orphanet 140162, MedGen C0027672, MeSH D009386, MONDO:0015356.

Submission:

Ambry Genetics
Classification: Uncertain significance for Hereditary cancer-predisposing syndrome. Last evaluated: 2023-07-24. Review status: criteria provided, single submitter. Criteria: Ambry Variant Classification Scheme 2023. Collection method: clinical testing. Allele origin: germline.
Comment: The c.789_794delTCAAGG variant (also known as p.Q264_G265del) is located in coding exon 7 of the APC gene. This variant results from an in-frame TCAAGG deletion at nucleotide positions 789 to 794. This results in the in-frame deletion of two amino acids (QG) at codons 264 and 265. These amino acid positions are well conserved in available vertebrate species. In addition, this alteration is predicted to be neutral by in silico analysis (Choi Y et al. PLoS ONE. 2012; 7(10):e46688). Since supporting evidence is limited at this time, the clinical significance of this alteration remains unclear.